The following is an entry in ClinVar:

ClinVar aggregate classification (germline): Pathogenic (1 of 4 stars; one submission).

Conditions:
Cystinuria (CSNU). Also called: CYSTINURIA, TYPE I; CYSTINURIA, TYPE II; CYSTINURIA, TYPE III; Cystinuria, non-type I. Identifiers: Orphanet 214, MedGen C0010691, MONDO:0009067, OMIM 220100, HP:0003131.

Submission:

Labcorp Genetics (formerly Invitae), Labcorp
Classification: Pathogenic for Cystinuria. Last evaluated: 2023-02-24. Review status: criteria provided, single submitter. Criteria: Invitae Variant Classification Sherloc (09022015). Collection method: clinical testing. Allele origin: unknown.
Comment: This variant is a gross deletion of the genomic region encompassing exon(s) 1-3 of the SLC3A1 gene, which includes the initiator codon. This deletion extends beyond the assayed region for this gene and therefore may encompass additional genes. It is expected to result in an absent or disrupted protein product. Loss-of-function variants in SLC3A1 are known to be pathogenic (PMID: 24610330, 25109415, 25964309). This variant has not been reported in the literature in individuals affected with SLC3A1-related conditions. For these reasons, this variant has been classified as Pathogenic.

Literature cited by the submitters: PubMed 24610330; PubMed 25109415; PubMed 25964309.

NC_000002.11:g.(?_44502646)_(44508700_?)del

Gene: SLC3A1 (solute carrier family 3 member 1; plus strand). Cytogenetic location: 2p21.
Variant type: Deletion.
Identifiers: ClinVar variation 3247121 (VCV003247121.1).